The following is an entry in ClinVar:

NM_004672.5(MAP3K6):c.3747C>T (p.Leu1249=)

Gene: MAP3K6 (mitogen-activated protein kinase kinase kinase 6; minus strand). Cytogenetic location: 1p36.11.
Variant type: single nucleotide variant.
Coding change: c.3747C>T on transcript NM_004672.5 (MANE Select); coding-DNA position 3747, C replaced by T.
Protein change: p.Leu1249=; no amino-acid change (leucine 1249 retained).
Molecular consequence: synonymous variant.
Genome position (GRCh38, 1-based): chr1:27,355,710, G>A on the plus strand (C>T on the coding strand, the complement: MAP3K6 is on the minus strand). VCF-style: chr1-27355710-G-A. GRCh37 (hg19) VCF-style: chr1-27682201-G-A.
Other names: c.3723C>T, p.Leu1241= (NM_001297609.2).
Identifiers: ClinVar variation 782369 (VCV000782369.7), dbSNP rs76570472, ClinGen allele CA712938.
Genomic context (GRCh38, chr1:27,355,710, plus strand): 5'-TGGGGGGCCCAGGATGTACCTGATGCGGGTGTAGATGAGGTCATCTCGAGTGGCATAGGT[G>A]AGCAGAGTGTGGAGGGTGAAGCTATGGTTCAACAGCTGGATGTGGTCAAAGACCCGCAGA-3'
Protein context (NP_004663.3, residues 1239-1259): LNHSFTLHTL[Leu1249=]TYATRDDLIY

ClinVar aggregate classification (germline): Benign. Review status: criteria provided, multiple submitters, no conflicts (2 of 4 stars). 3 submissions from 3 submitters: Benign (2). 1 of the submissions does not count toward it. Last evaluated 2019-12-31.

Conditions:
MAP3K6-related disorder. Also called: MAP3K6-related condition.

Allele frequency attached by ClinVar (database versions not stated): gnomAD 0.01880 and 0.01766; 1000 Genomes Project 30x 0.02342; gnomAD exomes 0.00207 and 0.00523; ExAC 0.00640; ESP Exome Variant Server 0.02091; TOPMed 0.02013; 1000 Genomes Project 0.02017.
gnomAD v4.1: 5,864 of 1,612,758 alleles (0.36%); highest among the groups gnomAD compares: African/African-American, 5.8%; 120 homozygotes.

Submissions (3):

Labcorp Genetics (formerly Invitae), Labcorp
Classification: Benign. Last evaluated: 2019-12-31. Review status: criteria provided, single submitter. Criteria: Invitae Variant Classification Sherloc (09022015). Collection method: clinical testing. Allele origin: germline.

Breakthrough Genomics
Classification: Benign. Review status: criteria provided, single submitter. Criteria: ACMG Guidelines, 2015. Collection method: not provided. Allele origin: germline. Inheritance: Unknown mechanism. Affected: yes.

PreventionGenetics, part of Exact Sciences
Classification: Benign for MAP3K6-related condition. Last evaluated: 2019-02-21. Review status: no assertion criteria provided. Collection method: clinical testing. Allele origin: germline. Not counted in ClinVar's aggregate classification.
Comment: This variant is classified as benign based on ACMG/AMP sequence variant interpretation guidelines (Richards et al. 2015 PMID: 25741868, with internal and published modifications).